The following is an entry in ClinVar:

NM_001330701.2(AGTPBP1):c.3504-1G>T

Gene: AGTPBP1 (ATP/GTP binding carboxypeptidase 1; minus strand). Cytogenetic location: 9q21.33.
Variant type: single nucleotide variant.
Coding change: c.3504-1G>T on transcript NM_001330701.2 (MANE Select); the canonical splice acceptor site of the intron before coding-DNA position 3504, G replaced by T.
Molecular consequence: splice acceptor variant.
Genome position (GRCh38, 1-based): chr9:85,547,287, C>A on the plus strand (G>T on the coding strand, the complement: AGTPBP1 is on the minus strand). VCF-style: chr9-85547287-C-A. GRCh37 (hg19) VCF-style: chr9-88162202-C-A.
Other names: c.3540-1G>T (NM_001286717.1); c.3660-1G>T (NM_001286715.1); c.3384-1G>T (NM_015239.3).
Identifiers: ClinVar variation 3360665 (VCV003360665.1).

ClinVar aggregate classification (germline): Likely pathogenic (1 of 4 stars; one submission).

gnomAD v4.1: 1 of 1,606,402 alleles (0.000062%); highest among the groups gnomAD compares: Non-Finnish European, 0.000085%; no homozygotes.

Submission:

GeneDx
Classification: Likely pathogenic. Last evaluated: 2023-09-05. Review status: criteria provided, single submitter. Criteria: GeneDx Variant Classification Process June 2021. Collection method: clinical testing. Allele origin: germline. Affected: yes.
Comment: Canonical splice site variant expected to result in aberrant splicing, although in the absence of functional evidence the actual effect of this sequence change is unknown.; Not observed at significant frequency in large population cohorts (gnomAD); Has not been previously published as pathogenic or benign to our knowledge